The following is an entry in ClinVar:

NM_018026.4(PACS1):c.573G>A (p.Gln191=)

Gene: PACS1 (phosphofurin acidic cluster sorting protein 1; plus strand). Cytogenetic location: 11q13.2.
Variant type: single nucleotide variant.
Coding change: c.573G>A on transcript NM_018026.4 (MANE Select); coding-DNA position 573, G replaced by A.
Protein change: p.Gln191=; no amino-acid change (glutamine 191 retained).
Molecular consequence: synonymous variant.
Genome position (GRCh38, 1-based): chr11:66,211,172, G>A. VCF-style: chr11-66211172-G-A. GRCh37 (hg19) VCF-style: chr11-65978643-G-A.
Identifiers: ClinVar variation 732713 (VCV000732713.44), dbSNP rs142927052, ClinGen allele CA6116290.
Genomic context (GRCh38, chr11:66,211,172, plus strand): 5'-GACTCTGTTTTGTATTTCGTAGTACCCTCATTTCCTTAAGCGAGATGCCAACAAGCTGCA[G>A]ATCATGCTGCAAAGGAGAAAACGTTACAAGAATCGGACCATCTTGGGCTATAAGACCTTG-3'
Protein context (NP_060496.2, residues 181-201): HFLKRDANKL[Gln191=]IMLQRRKRYK

ClinVar aggregate classification (germline): Likely benign. Review status: criteria provided, multiple submitters, no conflicts (2 of 4 stars). 2 submissions from 2 submitters: Likely benign (2). Last evaluated 2025-08-11.

Conditions:
Schuurs-Hoeijmakers syndrome. Also called: PACS1-Related Neurodevelopmental Disorder. Identifiers: Orphanet 329224, MedGen C3554343, MONDO:0014006, OMIM 615009.

Allele frequency attached by ClinVar (database versions not stated): gnomAD exomes 0.00006 and 0.00023; ExAC 0.00007; gnomAD 0.00015 and 0.00016; TOPMed 0.00015; ESP Exome Variant Server 0.00031.
gnomAD v4.1: 376 of 1,613,746 alleles (0.023%); highest among the groups gnomAD compares: Non-Finnish European, 0.029%; no homozygotes.

Submissions (2):

Labcorp Genetics (formerly Invitae), Labcorp
Classification: Likely benign for Schuurs-Hoeijmakers syndrome. Last evaluated: 2025-08-11. Review status: criteria provided, single submitter. Criteria: Invitae Variant Classification Sherloc (09022015). Collection method: clinical testing. Allele origin: germline.

CeGaT Center for Human Genetics Tuebingen
Classification: Likely benign. Last evaluated: 2025-07-01. Review status: criteria provided, single submitter. Criteria: CeGaT Center For Human Genetics Tuebingen Variant Classification Criteria Version 2. Collection method: clinical testing. Allele origin: germline. Affected: yes. Observed: 2 variant alleles.
Comment: PACS1: BP4, BP7